The following is an entry in ClinVar:

ClinVar aggregate classification (germline): Conflicting classifications of pathogenicity. Review status: criteria provided, conflicting classifications (1 of 4 stars). 14 submissions from 13 submitters: Uncertain significance (1); Benign (7); Likely benign (6). Last evaluated 2026-01-28.

Conditions:
WFS1-Related Spectrum Disorders.
WFS1-related disorder. Identifiers: MedGen CN379391, MONDO:0700293.
Monogenic diabetes. Identifiers: Orphanet 183625, MedGen C3888631, MONDO:0015967.
Cataract 41 (CTRCT41). Also called: CATARACT 41, CONGENITAL NUCLEAR TYPE. Identifiers: Orphanet 91492, Orphanet 98991, Orphanet 98992, Orphanet 98995, MedGen C3805412, MONDO:0007287, OMIM 116400.
Type 2 diabetes mellitus. Also called: Type II diabetes mellitus. Identifiers: MedGen C0011860, MeSH D003924, MONDO:0005148, OMIM 125853, HP:0005978.
Wolfram syndrome 1 (WFS1). Identifiers: Orphanet 3463, MedGen C4551693, MONDO:0009101, OMIM 222300.
Wolfram-like syndrome. Also called: HEARING LOSS, PROGRESSIVE, WITH OPTIC ATROPHY AND/OR IMPAIRED GLUCOSE REGULATION. Identifiers: Orphanet 411590, MedGen C3280358, MONDO:0013673, OMIM 614296.
Autosomal dominant nonsyndromic hearing loss 6 (LFSNHL). Also called: DEAFNESS, AUTOSOMAL DOMINANT 6; DEAFNESS, AUTOSOMAL DOMINANT 14; DEAFNESS, AUTOSOMAL DOMINANT 38; Autosomal dominant nonsyndromic deafness 6. Identifiers: Orphanet 90635, MedGen C1833021, MONDO:0010963, OMIM 600965.

Allele frequency attached by ClinVar (database versions not stated): ESP Exome Variant Server 0.00085; gnomAD 0.00185; TOPMed 0.00244; 1000 Genomes Project 30x 0.00468; 1000 Genomes Project 0.00659.
gnomAD v4.1: 1,362 of 1,613,118 alleles (0.084%); highest among the groups gnomAD compares: East Asian, 1.8%; 13 homozygotes.

Submissions (14):

Labcorp Genetics (formerly Invitae), Labcorp
Classification: Benign. Last evaluated: 2026-01-28. Review status: criteria provided, single submitter. Criteria: Invitae Variant Classification Sherloc (09022015). Collection method: clinical testing. Allele origin: germline.

PreventionGenetics, part of Exact Sciences
Classification: Benign for WFS1-related condition. Last evaluated: 2026-01-20. Review status: criteria provided, single submitter. Criteria: ACMG Guidelines, 2015. Collection method: clinical testing. Allele origin: germline.
Comment: This variant is classified as benign based on ACMG/AMP sequence variant interpretation guidelines (Richards et al. 2015 PMID: 25741868, with internal and published modifications).

Mayo Clinic Laboratories, Mayo Clinic
Classification: Benign. Last evaluated: 2025-07-14. Review status: criteria provided, single submitter. Criteria: ACMG Guidelines, 2015. Collection method: clinical testing. Allele origin: germline. Observed: 2 variant alleles.
Comment: BS1, BS2

CeGaT Center for Human Genetics Tuebingen
Classification: Benign. Last evaluated: 2024-12-01. Review status: criteria provided, single submitter. Criteria: CeGaT Center For Human Genetics Tuebingen Variant Classification Criteria Version 2. Collection method: clinical testing. Allele origin: germline. Affected: yes. Observed: 2 variant alleles.
Comment: WFS1: BS1, BS2

ARUP Laboratories, Molecular Genetics and Genomics, ARUP Laboratories
Classification: Likely benign. Last evaluated: 2023-11-24. Review status: criteria provided, single submitter. Criteria: ARUP Molecular Germline Variant Investigation Process 2024. Collection method: clinical testing. Allele origin: germline.

Fulgent Genetics
Classification: Likely benign for Cataract 41; Type 2 diabetes mellitus; Wolfram syndrome 1; Autosomal dominant nonsyndromic hearing loss 6; Wolfram-like syndrome. Last evaluated: 2021-09-07. Review status: criteria provided, single submitter. Criteria: ACMG Guidelines, 2015. Collection method: clinical testing. Allele origin: unknown.

Genetics and Molecular Pathology, SA Pathology
Classification: Likely benign for Wolfram syndrome 1. Last evaluated: 2019-09-25. Review status: criteria provided, single submitter. Criteria: ACMG Guidelines, 2015. Collection method: clinical testing. Allele origin: germline. Affected: yes.

Personalized Diabetes Medicine Program, University of Maryland School of Medicine
Classification: Likely benign for Monogenic diabetes. Last evaluated: 2017-06-01. Review status: criteria provided, single submitter. Criteria: ACMG Guidelines, 2015. Collection method: research. Allele origin: unknown. Observed: 1 variant allele, 1 heterozygote. Study: Personalized Diabetes Medicine Program.
Comment: ACMG Criteria:PP3 (6 predictors), BP4 (5 predictors), BP6 (called benign by Partners, GeneDx and Emory)

Illumina Laboratory Services, Illumina
Classification: Likely benign for WFS1-Related Spectrum Disorders. Last evaluated: 2017-04-27. Review status: criteria provided, single submitter. Criteria: ICSL Variant Classification Criteria 13 December 2019. Collection method: clinical testing. Allele origin: germline.
Comment: This variant was observed as part of a predisposition screen in an ostensibly healthy population. A literature search was performed for the gene, cDNA change, and amino acid change (where applicable). Publications were found based on this search. The evidence from the literature, in combination with allele frequency data from public databases where available, was sufficient to determine this variant is unlikely to cause disease. Therefore, this variant is classified as likely benign.

Illumina Laboratory Services, Illumina
Classification: Likely benign for Autosomal dominant nonsyndromic hearing loss 6. Last evaluated: 2017-04-27. Review status: criteria provided, single submitter. Criteria: ICSL Variant Classification Criteria 13 December 2019. Collection method: clinical testing. Allele origin: germline.
Comment: the same text as in the submission from Illumina Laboratory Services, Illumina above.

GeneDx
Classification: Benign. Last evaluated: 2015-03-30. Review status: criteria provided, single submitter. Criteria: GeneDx Variant Classification (06012015). Collection method: clinical testing. Allele origin: germline. Affected: yes.
Comment: This variant is considered likely benign or benign based on one or more of the following criteria: it is a conservative change, it occurs at a poorly conserved position in the protein, it is predicted to be benign by multiple in silico algorithms, and/or has population frequency not consistent with disease.

Eurofins Ntd Llc (ga)
Classification: Benign. Last evaluated: 2014-06-10. Review status: criteria provided, single submitter. Criteria: EGL Classification Definitions 2015. Collection method: clinical testing. Allele origin: germline. Observed: 1 variant allele, 1 heterozygote.

Laboratory for Molecular Medicine, Mass General Brigham Personalized Medicine
Classification: Benign. Last evaluated: 2012-05-07. Review status: criteria provided, single submitter. Criteria: LMM Criteria. Collection method: clinical testing. Allele origin: germline. Observed: 4 variant alleles.
Comment: Asp866Asn in Exon 08 of WFS1: This variant is not expected to have clinical sign ificance because it has been identified in 6.1% (5/82) of chromosomes from a pop ulation in the dbSNP database (rs38219 45).

Clinical Genomics, Uppaluri K&H Personalized Medicine Clinic
Classification: Uncertain significance for Wolfram syndrome 1. Review status: criteria provided, single submitter. Criteria: K & H Uppaluri Personalized Medicine Clinic Variant Classification & Assertion Criteria_Updated V.1. Collection method: research. Allele origin: unknown. Inheritance: Autosomal recessive inheritance.
Comment: Mutations in WFS1 gene are associated with Wolfram's syndrome, an autosomal recessive condition, which cause diabetes mellitus, diabetes insipidus, deafness and optic atrophy. rs3821945 variant is also seen in patients with Diabetes Mellitus. However, the role of this particular variant is yet to be ascertained.

Literature cited by the submitters: PubMed 25250959 (cited by Mayo Clinic Laboratories, Mayo Clinic); PubMed 11244483 (cited by Illumina Laboratory Services, Illumina); PubMed 12955714 (cited by Illumina Laboratory Services, Illumina); PubMed 15234338 (cited by Illumina Laboratory Services, Illumina); PubMed 17492394 (cited by Illumina Laboratory Services, Illumina); PubMed 15473915 (cited by Illumina Laboratory Services, Illumina); PubMed 29529044 (cited by Clinical Genomics, Uppaluri K&H Personalized Medicine Clinic).

NM_006005.3(WFS1):c.2596G>A (p.Asp866Asn)

Gene: WFS1 (wolframin ER transmembrane glycoprotein; plus strand). Cytogenetic location: 4p16.1.
Variant type: single nucleotide variant.
Coding change: c.2596G>A on transcript NM_006005.3 (MANE Select); coding-DNA position 2596, G replaced by A.
Protein change: p.Asp866Asn; replaces aspartic acid 866 with asparagine.
Molecular consequence: missense variant.
Genome position (GRCh38, 1-based): chr4:6,302,391, G>A. VCF-style: chr4-6302391-G-A. GRCh37 (hg19) VCF-style: chr4-6304118-G-A.
Other names: c.2596G>A, p.Asp866Asn (NM_001145853.1); short protein forms D866N.
Identifiers: ClinVar variation 178655 (VCV000178655.54), dbSNP rs3821945, ClinGen allele CA182744.